The following is an entry in ClinVar:

ClinVar aggregate classification (germline): Uncertain significance (1 of 4 stars; one submission).

Conditions:
Pitt-Hopkins-like syndrome 2 (PTHSL2). Identifiers: Orphanet 221150, Orphanet 600663, MedGen C3280479, MONDO:0013690, OMIM 614325.

Allele frequency attached by ClinVar (database versions not stated): gnomAD exomes below 0.00001; gnomAD 0.00001; TOPMed 0.00002.
gnomAD v4.1: 3 of 1,520,554 alleles (0.0002%); highest among the groups gnomAD compares: African/African-American, 0.0042%; no homozygotes.

Submission:

Labcorp Genetics (formerly Invitae), Labcorp
Classification: Uncertain significance for Pitt-Hopkins-like syndrome 2. Last evaluated: 2025-10-24. Review status: criteria provided, single submitter. Criteria: Invitae Variant Classification Sherloc (09022015). Collection method: clinical testing. Allele origin: germline.
Comment: This sequence change falls in intron 15 of the NRXN1 gene. It does not directly change the encoded amino acid sequence of the NRXN1 protein. It affects a nucleotide within the consensus splice site. This variant is present in population databases (no rsID available, gnomAD 0.01%). This variant has not been reported in the literature in individuals affected with NRXN1-related conditions. ClinVar contains an entry for this variant (Variation ID: 2758653). Variants that disrupt the consensus splice site are a relatively common cause of aberrant splicing (PMID: 17576681, 9536098). Algorithms developed to predict the effect of sequence changes on RNA splicing suggest that this variant may disrupt the consensus splice site. In summary, the available evidence is currently insufficient to determine the role of this variant in disease. Therefore, it has been classified as a Variant of Uncertain Significance.

Literature cited by the submitters: PubMed 17576681; PubMed 9536098.

NM_001330078.2(NRXN1):c.2879+6T>C

Gene: NRXN1 (neurexin 1; minus strand). Cytogenetic location: 2p16.3.
Variant type: single nucleotide variant.
Coding change: c.2879+6T>C on transcript NM_001330078.2 (MANE Select); 6 bases into the intron after coding-DNA position 2879, T replaced by C.
Molecular consequence: intron variant.
Genome position (GRCh38, 1-based): chr2:50,497,327, A>G on the plus strand (T>C on the coding strand, the complement: NRXN1 is on the minus strand). VCF-style: chr2-50497327-A-G. GRCh37 (hg19) VCF-style: chr2-50724465-A-G.
Other names: c.2855+6T>C (NM_001330077.2, NM_001330082.2); c.2852+6T>C (NM_001330085.2); c.2879+6T>C (NM_004801.6, NM_001330086.2); c.2999+6T>C (NM_001135659.3); c.2768+6T>C (NM_001330096.2, NM_001330087.2); c.2813+6T>C (NM_001330083.2, NM_001330084.2); c.2798+6T>C (NM_001330088.2); c.2876+6T>C (NM_001330093.2); and 2 more.
Identifiers: ClinVar variation 2758653 (VCV002758653.3), dbSNP rs1451586230, ClinGen allele CA532386560.